The following is an entry in ClinVar:

NM_170606.3(KMT2C):c.7180C>G (p.Gln2394Glu)

Gene: KMT2C (lysine methyltransferase 2C; minus strand). Cytogenetic location: 7q36.1.
Variant type: single nucleotide variant.
Coding change: c.7180C>G on transcript NM_170606.3 (MANE Select); coding-DNA position 7180, C replaced by G.
Protein change: p.Gln2394Glu; replaces glutamine 2394 with glutamic acid.
Molecular consequence: missense variant.
Genome position (GRCh38, 1-based): chr7:152,180,096, G>C on the plus strand (C>G on the coding strand, the complement: KMT2C is on the minus strand). VCF-style: chr7-152180096-G-C. GRCh37 (hg19) VCF-style: chr7-151877181-G-C.
Other names: short protein forms Q2394E.
Identifiers: ClinVar variation 873507 (VCV000873507.4), dbSNP rs2093380803, ClinGen allele CA370089464.
Genomic context (GRCh38, chr7:152,180,096, plus strand): 5'-CTGCGGGTGAGTCCTGTGACCCCTTCTCCTGTCGACCTGCAATCTTCTTCTGCTGTTGCT[G>C]CTGGAGAATGATTTCACGTAACTTCTGCCGCTAAATGGGAAGAAACAAAAATCACTGGGA-3'
Protein context (NP_733751.2, residues 2384-2404): RQKLREIILQ[Gln2394Glu]QQQKKIAGRQ

ClinVar aggregate classification (germline): Uncertain significance (1 of 4 stars; one submission).

Conditions:
KMT2C-related disorder. Also called: KMT2C-related disorders; KMT2C-related condition.

Allele frequency attached by ClinVar (database versions not stated): gnomAD exomes below 0.00001.
gnomAD v4.1: 4 of 1,614,156 alleles (0.00025%); highest among the groups gnomAD compares: Non-Finnish European, 0.00034%; no homozygotes.

Submission:

Illumina Laboratory Services, Illumina
Classification: Uncertain significance for KMT2C-related disorders. Last evaluated: 2020-01-31. Review status: criteria provided, single submitter. Criteria: ICSLVariantClassificationCriteria RUGD 01 April 2020. Collection method: clinical testing. Allele origin: unknown.
Comment: The KMT2C c.7180C>G (p.Gln2394Glu) variant is a missense variant. A literature search was performed for the gene, cDNA change, and amino acid change. No publications were found based on this search. This variant is not found in the Genome Aggregation Database in a region of good sequence coverage, so the variant is presumed to be rare. Based on the limited evidence, the p.Gln2394Glu variant is classified as a variant of unknown significance for KMT2C-related disorders.

Literature cited by the submitters: PubMed 29276005.